The following is an entry in ClinVar:

NM_020964.3(EPG5):c.4681C>G (p.Leu1561Val)

Gene: EPG5 (ectopic P-granules 5 autophagy tethering factor; minus strand). Cytogenetic location: 18q12.3.
Variant type: single nucleotide variant.
Coding change: c.4681C>G on transcript NM_020964.3 (MANE Select); coding-DNA position 4681, C replaced by G.
Protein change: p.Leu1561Val; replaces leucine 1561 with valine.
Molecular consequence: missense variant.
Genome position (GRCh38, 1-based): chr18:45,899,532, G>C on the plus strand (C>G on the coding strand, the complement: EPG5 is on the minus strand). VCF-style: chr18-45899532-G-C. GRCh37 (hg19) VCF-style: chr18-43479497-G-C.
Other names: short protein forms L1561V.
Identifiers: ClinVar variation 839411 (VCV000839411.10), dbSNP rs944495980, ClinGen allele CA402337027.

ClinVar aggregate classification (germline): Uncertain significance (1 of 4 stars; one submission).

Conditions:
Vici syndrome (VICIS). Identifiers: Orphanet 1493, MedGen C1855772, MONDO:0009452, OMIM 242840.

Submission:

Labcorp Genetics (formerly Invitae), Labcorp
Classification: Uncertain significance for Vici syndrome. Last evaluated: 2019-01-20. Review status: criteria provided, single submitter. Criteria: Invitae Variant Classification Sherloc (09022015). Collection method: clinical testing. Allele origin: germline.
Comment: In summary, the available evidence is currently insufficient to determine the role of this variant in disease. Therefore, it has been classified as a Variant of Uncertain Significance. Algorithms developed to predict the effect of missense changes on protein structure and function are either unavailable or do not agree on the potential impact of this missense change (SIFT: "Tolerated"; PolyPhen-2: "Probably Damaging"; Align-GVGD: "Class C0"). This variant has not been reported in the literature in individuals with EPG5-related conditions. This variant is not present in population databases (ExAC no frequency). This sequence change replaces leucine with valine at codon 1561 of the EPG5 protein (p.Leu1561Val). The leucine residue is highly conserved and there is a small physicochemical difference between leucine and valine.